The following is an entry in ClinVar:

NM_001371986.1(UNC80):c.226G>A (p.Glu76Lys)

Gene: UNC80 (unc-80 subunit of NALCN channel complex; plus strand). Cytogenetic location: 2q34.
Variant type: single nucleotide variant.
Coding change: c.226G>A on transcript NM_001371986.1 (MANE Select); coding-DNA position 226, G replaced by A.
Protein change: p.Glu76Lys; replaces glutamic acid 76 with lysine.
Molecular consequence: missense variant.
Genome position (GRCh38, 1-based): chr2:209,775,973, G>A. VCF-style: chr2-209775973-G-A. GRCh37 (hg19) VCF-style: chr2-210640697-G-A.
Other names: c.226G>A, p.Glu76Lys (NM_032504.2, NM_182587.4); short protein forms E76K.
Identifiers: ClinVar variation 2806340 (VCV002806340.3), dbSNP rs2153824570, ClinGen allele CA350130721.

ClinVar aggregate classification (germline): Uncertain significance (1 of 4 stars; one submission).

Submission:

Labcorp Genetics (formerly Invitae), Labcorp
Classification: Uncertain significance. Last evaluated: 2025-09-02. Review status: criteria provided, single submitter. Criteria: Invitae Variant Classification Sherloc (09022015). Collection method: clinical testing. Allele origin: germline.
Comment: This sequence change replaces glutamic acid, which is acidic and polar, with lysine, which is basic and polar, at codon 76 of the UNC80 protein (p.Glu76Lys). This variant is not present in population databases (gnomAD no frequency). This variant has not been reported in the literature in individuals affected with UNC80-related conditions. ClinVar contains an entry for this variant (Variation ID: 2806340). An algorithm developed to predict the effect of missense changes on protein structure and function (PolyPhen-2) suggests that this variant is likely to be disruptive. In summary, the available evidence is currently insufficient to determine the role of this variant in disease. Therefore, it has been classified as a Variant of Uncertain Significance.